The following is an entry in ClinVar:

NM_001002294.3(FMO3):c.591_592del (p.Cys197_Asp198delinsTer)

Genes: FMO3 (flavin containing dimethylaniline monoxygenase 3; plus strand), LOC126805916 (BRD4-independent group 4 enhancer GRCh37_chr1:171076844-171078043; plus strand). Cytogenetic location: 1q24.3.
Variant type: Microsatellite.
Coding change: c.591_592del on transcript NM_001002294.3 (MANE Select); coding-DNA positions 591 to 592, 2 bases deleted (TG; older notation c.591_592delTG).
Protein change: p.Cys197_Asp198delinsTer.
Molecular consequence: nonsense.
Genome position (GRCh38, 1-based): chr1:171,108,185-171,108,186, TG deleted; deleting any 2 consecutive bases within chr1:171,108,183-171,108,186 gives the same sequence; the c. name uses the placement nearest the transcript's 3' end. VCF-style (leftmost placement, unchanged base first): chr1-171108182-CTG-C. GRCh37 (hg19) VCF-style: chr1-171077323-CTG-C.
Other names: c.531_532del, p.Cys177_Asp178delinsTer (NM_001319173.2); c.402_403del, p.Cys134_Asp135delinsTer (NM_001319174.2); c.591_592del, p.Cys197_Asp198delinsTer (NM_006894.6).
Identifiers: ClinVar variation 225364 (VCV000225364.17), dbSNP rs3832024, ClinGen allele CA1240581.

ClinVar aggregate classification (germline): Pathogenic. Review status: criteria provided, multiple submitters, no conflicts (2 of 4 stars). 7 submissions from 7 submitters: Pathogenic (6). 1 of the submissions does not count toward it. Last evaluated 2026-01-24.

Conditions:
FMO3-related disorders.
Trimethylaminuria (TMAU). Also called: FISH-ODOR SYNDROME; Fish malodor syndrome; Stale fish syndrome; TMAuria; Primary Trimethylaminuria. Identifiers: MedGen C0342739, MONDO:0011182, OMIM 602079, HP:0003614. Disease mechanism: loss of function.
Type 2 diabetes mellitus. Also called: Type II diabetes mellitus. Identifiers: MedGen C0011860, MeSH D003924, MONDO:0005148, OMIM 125853, HP:0005978.

Submissions (7):

Labcorp Genetics (formerly Invitae), Labcorp
Classification: Pathogenic. Last evaluated: 2026-01-24. Review status: criteria provided, single submitter. Criteria: Invitae Variant Classification Sherloc (09022015). Collection method: clinical testing. Allele origin: germline.
Comment: This sequence change creates a premature translational stop signal (p.Cys197*) in the FMO3 gene. It is expected to result in an absent or disrupted protein product. Loss-of-function variants in FMO3 are known to be pathogenic (PMID: 20301282). This variant is present in population databases (rs780358952, gnomAD 0.2%). This premature translational stop signal has been observed in individual(s) with trimethylaminuria (PMID: 16996766, 17584019, 31401033, 33831674). This variant is also known as 21243_21244TG deletion. ClinVar contains an entry for this variant (Variation ID: 225364). For these reasons, this variant has been classified as Pathogenic.

Blueprint Genetics
Classification: Pathogenic for FMO3-related disorders. Last evaluated: 2024-10-07. Review status: criteria provided, single submitter. Criteria: ACMG Guidelines, 2015. Collection method: clinical testing. Allele origin: germline. Affected: yes. Observed: 5 variant alleles.

Clinical Genetics Laboratory, Skane University Hospital Lund
Classification: Pathogenic. Last evaluated: 2023-08-28. Review status: criteria provided, single submitter. Criteria: ACMG Guidelines, 2015. Collection method: clinical testing. Allele origin: germline. Affected: yes.

Department of Pathology and Laboratory Medicine, Sinai Health System
Classification: Pathogenic for Trimethylaminuria. Last evaluated: 2023-01-02. Review status: criteria provided, single submitter. Criteria: ACMG Guidelines, 2015. Collection method: research. Allele origin: germline.

Soonchunhyang University Bucheon Hospital, Soonchunhyang University Medical Center
Classification: Pathogenic for Trimethylaminuria. Last evaluated: 2016-03-18. Review status: criteria provided, single submitter. Criteria: ACMG Guidelines, 2015. Collection method: reference population. Allele origin: germline. Observed: 1 variant allele.

Juno Genomics, Hangzhou Juno Genomics, Inc
Classification: Pathogenic for Trimethylaminuria. Review status: criteria provided, single submitter. Criteria: ACMG Guidelines, 2015. Collection method: clinical testing. Allele origin: germline. Affected: yes.
Comment: Null variant in a gene where loss of function (LOF) is a known mechanism of disease.;For recessive disorders, detected in trans with a pathogenic variant.;Patient's phenotype or family history is highly specific for a disease with a single genetic etiology.;Co-segregation with disease in multiple affected family members in a gene definitively known to cause the disease.

Gene Friend Way, National Innovation Center
Classification: Pathogenic for Type 2 diabetes mellitus. Last evaluated: 2025-01-01. Review status: no assertion criteria provided. Collection method: clinical testing. Allele origin: unknown. Affected: yes. Observed: 1 variant allele. Not counted in ClinVar's aggregate classification.
Comment: This sequence change creates a premature translational stop signal (p.Cys197*) in the FMO3 gene, result in an absent or disrupted protein product and loss-of-function variants in FMO3 are known to be pathogenic (PMID: 20301282). FMO3 affected glucose and lipid homeostasis in vivo and studies have been reported its role in cholesterol metabolism and atherosclerosis (PMID: 25378658, 26218418). In addition, FMO3 is suppressed by insulin in vitro (PMID: 25849138).

Literature cited by the submitters: PubMed 20301282 (cited by Labcorp Genetics (formerly Invitae), Labcorp and Gene Friend Way, National Innovation Center); PubMed 16996766 (cited by Labcorp Genetics (formerly Invitae), Labcorp and Soonchunhyang University Bucheon Hospital, Soonchunhyang University Medical Center); PubMed 17584019 (cited by Labcorp Genetics (formerly Invitae), Labcorp and Soonchunhyang University Bucheon Hospital, Soonchunhyang University Medical Center); PubMed 31401033 (cited by Labcorp Genetics (formerly Invitae), Labcorp); PubMed 33831674 (cited by Labcorp Genetics (formerly Invitae), Labcorp); PubMed 25378658 (cited by Gene Friend Way, National Innovation Center); PubMed 26218418 (cited by Gene Friend Way, National Innovation Center); PubMed 25849138 (cited by Gene Friend Way, National Innovation Center).